The following is an entry in ClinVar:

NM_000435.3(NOTCH3):c.4111C>G (p.Arg1371Gly)

Gene: NOTCH3 (notch receptor 3; minus strand). Cytogenetic location: 19p13.12.
Variant type: single nucleotide variant.
Coding change: c.4111C>G on transcript NM_000435.3 (MANE Select); coding-DNA position 4111, C replaced by G.
Protein change: p.Arg1371Gly; replaces arginine 1371 with glycine.
Molecular consequence: missense variant.
Genome position (GRCh38, 1-based): chr19:15,177,817, G>C on the plus strand (C>G on the coding strand, the complement: NOTCH3 is on the minus strand). VCF-style: chr19-15177817-G-C. GRCh37 (hg19) VCF-style: chr19-15288628-G-C.
Other names: short protein forms R1371G.
Identifiers: ClinVar variation 1700738 (VCV001700738.2), dbSNP rs2145415056, ClinGen allele CA404504735.

ClinVar aggregate classification (germline): Uncertain significance (1 of 4 stars; one submission).

Submission:

GeneDx
Classification: Uncertain significance. Last evaluated: 2022-02-15. Review status: criteria provided, single submitter. Criteria: GeneDx Variant Classification Process June 2021. Collection method: clinical testing. Allele origin: germline. Affected: yes.
Comment: Not observed at significant frequency in large population cohorts (gnomAD); In silico analysis supports that this missense variant has a deleterious effect on protein structure/function; Has not been previously published as pathogenic or benign to our knowledge